The following is an entry in ClinVar:

NM_020975.6(RET):c.2908A>T (p.Met970Leu)

Gene: RET (ret proto-oncogene; plus strand). Cytogenetic location: 10q11.21.
Variant type: single nucleotide variant.
Coding change: c.2908A>T on transcript NM_020975.6 (MANE Select); coding-DNA position 2908, A replaced by T.
Protein change: p.Met970Leu; replaces methionine 970 with leucine.
Molecular consequence: missense variant.
Genome position (GRCh38, 1-based): chr10:43,123,777, A>T. VCF-style: chr10-43123777-A-T. GRCh37 (hg19) VCF-style: chr10-43619225-A-T.
Other names: c.2146A>T, p.Met716Leu (NM_001355216.2); c.2908A>T, p.Met970Leu (NM_001406743.1, NM_001406744.1, NM_001406759.1 and 2 more transcripts); c.2779A>T, p.Met927Leu (NM_001406761.1, NM_001406762.1, NM_001406764.1); c.2773A>T, p.Met925Leu (NM_001406763.1, NM_001406765.1); c.2620A>T, p.Met874Leu (NM_001406766.1, NM_001406767.1, NM_001406770.1); c.2644A>T, p.Met882Leu (NM_001406768.1); c.2512A>T, p.Met838Leu (NM_001406769.1, NM_001406772.1); c.2470A>T, p.Met824Leu (NM_001406771.1, NM_001406773.1); and 10 more; short protein forms M631L, M640L, M671L, M716L, M874L, M925L, M927L, M487L.
Identifiers: ClinVar variation 3705310 (VCV003705310.3).
Genomic context (GRCh38, chr10:43,123,777, plus strand): 5'-AACCCCTATCCTGGGATTCCTCCTGAGCGGCTCTTCAACCTTCTGAAGACCGGCCACCGG[A>T]TGGAGAGGCCAGACAACTGCAGCGAGGAGATGTGAGCGGGGACTGGCTTTGGCCCAGCCT-3'
Protein context (NP_066124.1, residues 960-980): LFNLLKTGHR[Met970Leu]ERPDNCSEEM

ClinVar aggregate classification (germline): Uncertain significance. Review status: criteria provided, multiple submitters, no conflicts (2 of 4 stars). 2 submissions from 2 submitters: Uncertain significance (2). Last evaluated 2025-12-09.

Conditions:
Hereditary cancer-predisposing syndrome. Also called: Hereditary neoplastic syndrome; Tumor predisposition; Hereditary Cancer Syndrome; Neoplastic Syndromes, Hereditary. Identifiers: Orphanet 140162, MedGen C0027672, MeSH D009386, MONDO:0015356.
Multiple endocrine neoplasia, type 2 (MEN2). Identifiers: Orphanet 653, MedGen C4048306, MONDO:0019003. Disease mechanism: gain of function.

Submissions (2):

Ambry Genetics
Classification: Uncertain significance for Hereditary cancer-predisposing syndrome. Last evaluated: 2025-12-09. Review status: criteria provided, single submitter. Criteria: Ambry Variant Classification Scheme 2023. Collection method: clinical testing. Allele origin: germline.
Comment: The p.M970L variant (also known as c.2908A>T), located in coding exon 17 of the RET gene, results from an A to T substitution at nucleotide position 2908. The methionine at codon 970 is replaced by leucine, an amino acid with highly similar properties. This amino acid position is conserved. In addition, the in silico prediction for this alteration is inconclusive. Based on the available evidence, the clinical significance of this variant remains unclear.

Labcorp Genetics (formerly Invitae), Labcorp
Classification: Uncertain significance for Multiple endocrine neoplasia, type 2. Last evaluated: 2024-07-04. Review status: criteria provided, single submitter. Criteria: Invitae Variant Classification Sherloc (09022015). Collection method: clinical testing. Allele origin: germline.
Comment: This sequence change replaces methionine, which is neutral and non-polar, with leucine, which is neutral and non-polar, at codon 970 of the RET protein (p.Met970Leu). This variant is not present in population databases (gnomAD no frequency). This variant has not been reported in the literature in individuals affected with RET-related conditions. An algorithm developed to predict the effect of missense changes on protein structure and function (PolyPhen-2) suggests that this variant is likely to be disruptive. In summary, the available evidence is currently insufficient to determine the role of this variant in disease. Therefore, it has been classified as a Variant of Uncertain Significance.